The following is an entry in ClinVar:

ClinVar aggregate classification (germline): Uncertain significance (1 of 4 stars; one submission).

Submission:

Labcorp Genetics (formerly Invitae), Labcorp
Classification: Uncertain significance. Last evaluated: 2024-10-28. Review status: criteria provided, single submitter. Criteria: Invitae Variant Classification Sherloc (09022015). Collection method: clinical testing. Allele origin: germline.
Comment: This sequence change replaces serine, which is neutral and polar, with leucine, which is neutral and non-polar, at codon 85 of the RGR protein (p.Ser85Leu). This variant is present in population databases (rs747435661, gnomAD 0.004%). This variant has not been reported in the literature in individuals affected with RGR-related conditions. ClinVar contains an entry for this variant (Variation ID: 1057391). Experimental studies and prediction algorithms are not available or were not evaluated, and the functional significance of this variant is currently unknown. In summary, the available evidence is currently insufficient to determine the role of this variant in disease. Therefore, it has been classified as a Variant of Uncertain Significance.

NM_001012720.2(RGR):c.254C>T (p.Ser85Leu)

Gene: RGR (retinal G protein coupled receptor; plus strand). Cytogenetic location: 10q23.1.
Variant type: single nucleotide variant.
Coding change: c.254C>T on transcript NM_001012720.2 (MANE Select); coding-DNA position 254, C replaced by T.
Protein change: p.Ser85Leu; replaces serine 85 with leucine.
Molecular consequence: missense variant.
Genome position (GRCh38, 1-based): chr10:84,248,939, C>T. VCF-style: chr10-84248939-C-T. GRCh37 (hg19) VCF-style: chr10-86008695-C-T.
Other names: c.254C>T, p.Ser85Leu (NM_001012722.2); c.266C>T, p.Ser89Leu (NM_002921.4); short protein forms S85L, S89L.
Identifiers: ClinVar variation 1057391 (VCV001057391.10), dbSNP rs747435661, ClinGen allele CA5581365.
Genomic context (GRCh38, chr10:84,248,939, plus strand): 5'-AAGGATCGGAGGAGAGGTCACTGGTGCCCAGTGTCTCCCACAGGCGCTGGCCCTACGGCT[C>T]GGACGGCTGCCAGGCTCACGGCTTCCAGGGCTTTGTGACAGCGTTGGCCAGCATCTGCAG-3'
Protein context (NP_001012738.1, residues 75-95): SSLLRRWPYG[Ser85Leu]DGCQAHGFQG